The following is an entry in ClinVar:

NM_004618.5(TOP3A):c.2461C>G (p.Leu821Val)

Gene: TOP3A (DNA topoisomerase III alpha; minus strand). Cytogenetic location: 17p11.2.
Variant type: single nucleotide variant.
Coding change: c.2461C>G on transcript NM_004618.5 (MANE Select); coding-DNA position 2461, C replaced by G.
Protein change: p.Leu821Val; replaces leucine 821 with valine.
Molecular consequence: missense variant.
Genome position (GRCh38, 1-based): chr17:18,278,041, G>C on the plus strand (C>G on the coding strand, the complement: TOP3A is on the minus strand). VCF-style: chr17-18278041-G-C. GRCh37 (hg19) VCF-style: chr17-18181355-G-C.
Other names: c.2176C>G, p.Leu726Val (NM_001320759.2); short protein forms L726V, L821V.
Identifiers: ClinVar variation 2009409 (VCV002009409.4), dbSNP rs2545590092, ClinGen allele CA398624088.
Genomic context (GRCh38, chr17:18,278,041, plus strand): 5'-CTCCGTTGCACTTAAAGAACTGCCGGCCCCGGTTGGGGCCCTCCTTACGGACAGTGAGCA[G>C]CACAGCCTCCTGGCCACAGTTGCAGGTCACAGAATTGCTTTCACCAGCAGCCGTGGGTGG-3'
Protein context (NP_004609.1, residues 811-831): VTCNCGQEAV[Leu821Val]LTVRKEGPNR

ClinVar aggregate classification (germline): Uncertain significance (1 of 4 stars; one submission).

gnomAD v4.1: 1 of 1,614,214 alleles (0.000062%); highest among the groups gnomAD compares: Non-Finnish European, 0.000085%; no homozygotes.

Submission:

Labcorp Genetics (formerly Invitae), Labcorp
Classification: Uncertain significance. Last evaluated: 2025-01-06. Review status: criteria provided, single submitter. Criteria: Invitae Variant Classification Sherloc (09022015). Collection method: clinical testing. Allele origin: germline.
Comment: This sequence change replaces leucine, which is neutral and non-polar, with valine, which is neutral and non-polar, at codon 821 of the TOP3A protein (p.Leu821Val). This variant is not present in population databases (gnomAD no frequency). This variant has not been reported in the literature in individuals affected with TOP3A-related conditions. ClinVar contains an entry for this variant (Variation ID: 2009409). An algorithm developed to predict the effect of missense changes on protein structure and function (PolyPhen-2) suggests that this variant is likely to be tolerated. In summary, the available evidence is currently insufficient to determine the role of this variant in disease. Therefore, it has been classified as a Variant of Uncertain Significance.